The following is an entry in ClinVar:

NM_033419.5(PGAP3):c.757G>T (p.Val253Leu)

Gene: PGAP3 (post-GPI attachment to proteins phospholipase 3; minus strand). Cytogenetic location: 17q12.
Variant type: single nucleotide variant.
Coding change: c.757G>T on transcript NM_033419.5 (MANE Select); coding-DNA position 757, G replaced by T.
Protein change: p.Val253Leu; replaces valine 253 with leucine.
Molecular consequence: missense variant. On other transcripts: intron variant (3).
Genome position (GRCh38, 1-based): chr17:39,673,193, C>A on the plus strand (G>T on the coding strand, the complement: PGAP3 is on the minus strand). VCF-style: chr17-39673193-C-A. GRCh37 (hg19) VCF-style: chr17-37829446-C-A.
Other names: c.604G>T, p.Val202Leu (NM_001291726.2); c.694G>T, p.Val232Leu (NM_001291728.2); c.433-327G>T (NM_001291733.2); c.495-327G>T (NM_001291732.2); c.558-327G>T (NM_001291730.2); short protein forms V253L, V202L, V232L.
Identifiers: ClinVar variation 2171348 (VCV002171348.3), dbSNP rs774310689, ClinGen allele CA290439950.
Genomic context (GRCh38, chr17:39,673,193, plus strand): 5'-CAAGCAGCTCGAGCAGGGACAGCCCCTGCAGCAGCAAGACCACCACCACGCACTTGCGCA[C>A]GTGAGGCAGCCGCCGCTGGTTCCACAGGCACCAGGCCAGCCACCACACCACGTTGACCAG-3'
Protein context (NP_219487.3, residues 243-263): CLWNQRRLPH[Val253Leu]RKCVVVVLLL

ClinVar aggregate classification (germline): Uncertain significance (1 of 4 stars; one submission).

gnomAD v4.1: 47 of 1,571,900 alleles (0.003%); highest among the groups gnomAD compares: African/African-American, 0.0041%; no homozygotes.

Submission:

Labcorp Genetics (formerly Invitae), Labcorp
Classification: Uncertain significance. Last evaluated: 2022-09-07. Review status: criteria provided, single submitter. Criteria: Invitae Variant Classification Sherloc (09022015). Collection method: clinical testing. Allele origin: germline.
Comment: The frequency data for this variant in the population databases is considered unreliable, as metrics indicate poor data quality at this position in the gnomAD database. This sequence change replaces valine, which is neutral and non-polar, with leucine, which is neutral and non-polar, at codon 253 of the PGAP3 protein (p.Val253Leu). This variant has not been reported in the literature in individuals affected with PGAP3-related conditions. In summary, the available evidence is currently insufficient to determine the role of this variant in disease. Therefore, it has been classified as a Variant of Uncertain Significance. Algorithms developed to predict the effect of missense changes on protein structure and function (SIFT, PolyPhen-2, Align-GVGD) all suggest that this variant is likely to be tolerated.